The following is an entry in ClinVar:

ClinVar aggregate classification (germline): Uncertain significance (1 of 4 stars; one submission).

Submission:

Labcorp Genetics (formerly Invitae), Labcorp
Classification: Uncertain significance. Last evaluated: 2024-10-09. Review status: criteria provided, single submitter. Criteria: Invitae Variant Classification Sherloc (09022015). Collection method: clinical testing. Allele origin: germline.
Comment: This sequence change replaces proline, which is neutral and non-polar, with leucine, which is neutral and non-polar, at codon 503 of the POLE2 protein (p.Pro503Leu). This variant is not present in population databases (gnomAD no frequency). This variant has not been reported in the literature in individuals affected with POLE2-related conditions. An algorithm developed to predict the effect of missense changes on protein structure and function (PolyPhen-2) suggests that this variant is likely to be tolerated. Algorithms developed to predict the effect of sequence changes on RNA splicing suggest that this variant may disrupt the consensus splice site. In summary, the available evidence is currently insufficient to determine the role of this variant in disease. Therefore, it has been classified as a Variant of Uncertain Significance.

NM_002692.4(POLE2):c.1508C>T (p.Pro503Leu)

Gene: POLE2 (DNA polymerase epsilon 2, accessory subunit; minus strand). Cytogenetic location: 14q21.3.
Variant type: single nucleotide variant.
Coding change: c.1508C>T on transcript NM_002692.4 (MANE Select); coding-DNA position 1508, C replaced by T.
Protein change: p.Pro503Leu; replaces proline 503 with leucine.
Molecular consequence: missense variant.
Genome position (GRCh38, 1-based): chr14:49,647,350, G>A on the plus strand (C>T on the coding strand, the complement: POLE2 is on the minus strand). VCF-style: chr14-49647350-G-A. GRCh37 (hg19) VCF-style: chr14-50114068-G-A.
Other names: c.1430C>T, p.Pro477Leu (NM_001197330.2); c.1505C>T, p.Pro502Leu (NM_001348384.2); c.1277C>T, p.Pro426Leu (NM_001348385.2); short protein forms P503L, P426L, P477L, P502L.
Identifiers: ClinVar variation 3698895 (VCV003698895.2).